The following is an entry in ClinVar:

NM_003664.5(AP3B1):c.1322C>T (p.Thr441Met)

Gene: AP3B1 (adaptor related protein complex 3 subunit beta 1; minus strand). Cytogenetic location: 5q14.1.
Variant type: single nucleotide variant.
Coding change: c.1322C>T on transcript NM_003664.5 (MANE Select); coding-DNA position 1322, C replaced by T.
Protein change: p.Thr441Met; replaces threonine 441 with methionine.
Molecular consequence: missense variant.
Genome position (GRCh38, 1-based): chr5:78,162,860, G>A on the plus strand (C>T on the coding strand, the complement: AP3B1 is on the minus strand). VCF-style: chr5-78162860-G-A. GRCh37 (hg19) VCF-style: chr5-77458684-G-A.
Other names: p.Thr441Met; c.1175C>T, p.Thr392Met (NM_001271769.2); short protein forms T441M, T392M.
Identifiers: ClinVar variation 961652 (VCV000961652.10), dbSNP rs556341477, ClinGen allele CA3317098.
Genomic context (GRCh38, chr5:78,162,860, plus strand): 5'-AATGAAACTGTAAACTTACCATCCCTGTTGGACAGCAGACAGACCAAGCCATTGAGGCAC[G>A]TGTCAGTGACTTCCAAGATGTTGGTTGCACATCTGCCTATAGTCTGAATAGTGGCTGCTG-3'
Protein context (NP_003655.3, residues 431-451): CATNILEVTD[Thr441Met]CLNGLVCLLS

ClinVar aggregate classification (germline): Uncertain significance. Review status: criteria provided, multiple submitters, no conflicts (2 of 4 stars). 2 submissions from 2 submitters: Uncertain significance (2). Last evaluated 2025-09-11.

Conditions:
Hermansky-Pudlak syndrome 2 (HPS2). Also called: Platelet defects and oculocutaneous albinism. Identifiers: Orphanet 183678, Orphanet 79430, MedGen C1842362, MONDO:0011997, OMIM 608233.

Allele frequency attached by ClinVar (database versions not stated): gnomAD 0.00001; gnomAD exomes 0.00001 and 0.00003; ExAC 0.00002; 1000 Genomes Project 30x 0.00016; 1000 Genomes Project 0.00020.
gnomAD v4.1: 15 of 1,613,950 alleles (0.00093%); highest among the groups gnomAD compares: Middle Eastern, 0.082%; no homozygotes.

Submissions (2):

Mayo Clinic Laboratories, Mayo Clinic
Classification: Uncertain significance. Last evaluated: 2025-09-11. Review status: criteria provided, single submitter. Criteria: ACMG Guidelines, 2015. Collection method: clinical testing. Allele origin: germline. Observed: 1 variant allele.

Labcorp Genetics (formerly Invitae), Labcorp
Classification: Uncertain significance for Hermansky-Pudlak syndrome 2. Last evaluated: 2023-11-27. Review status: criteria provided, single submitter. Criteria: Invitae Variant Classification Sherloc (09022015). Collection method: clinical testing. Allele origin: germline.
Comment: This sequence change replaces threonine, which is neutral and polar, with methionine, which is neutral and non-polar, at codon 441 of the AP3B1 protein (p.Thr441Met). This variant is present in population databases (rs556341477, gnomAD 0.01%). This variant has not been reported in the literature in individuals affected with AP3B1-related conditions. ClinVar contains an entry for this variant (Variation ID: 961652). An algorithm developed to predict the effect of missense changes on protein structure and function (PolyPhen-2) suggests that this variant is likely to be disruptive. In summary, the available evidence is currently insufficient to determine the role of this variant in disease. Therefore, it has been classified as a Variant of Uncertain Significance.